The following is an entry in ClinVar:

ClinVar aggregate classification (germline): Likely pathogenic. Review status: criteria provided, multiple submitters, no conflicts (2 of 4 stars). 2 submissions from 2 submitters: Likely pathogenic (2). Last evaluated 2025-06-10.

Conditions:
Familial thoracic aortic aneurysm and aortic dissection (TAAD). Also called: Thoracic aortic aneurysms and dissections. Identifiers: Orphanet 91387, MedGen C4707243, MONDO:0019625.
Marfan syndrome (MFS). Also called: Marfan syndrome, classic; Marfan syndrome type 1; Marfan's syndrome; FBN1-Related Marfan Syndrome; MARFAN SYNDROME, TYPE I. Identifiers: Orphanet 284963, Orphanet 558, MedGen C0024796, MONDO:0007947, OMIM 154700.

Submissions (2):

GeneDx
Classification: Likely pathogenic. Last evaluated: 2025-06-10. Review status: criteria provided, single submitter. Criteria: GeneDx Variant Classification Process June 2021. Collection method: clinical testing. Allele origin: germline. Affected: yes.
Comment: Affects a cysteine residue/Introduces a new cysteine residue within an EGF-like domain of the FBN1 gene, which may affect disulfide bonding and is predicted to alter the structure and function of the protein; cysteine substitutions in the EGF-like domains represent the majority of pathogenic missense changes associated with FBN1-related disorders (PMID: 12938084); Not observed at significant frequency in large population cohorts (gnomAD); In silico analysis supports that this missense variant has a deleterious effect on protein structure/function; Reported in a patient with suspected Marfan syndrome in published literature (PMID: 25652356); This variant is associated with the following publications: (PMID: 12938084, 25652356)

Labcorp Genetics (formerly Invitae), Labcorp
Classification: Likely pathogenic for Marfan syndrome; Familial thoracic aortic aneurysm and aortic dissection. Last evaluated: 2025-02-27. Review status: criteria provided, single submitter. Criteria: Invitae Variant Classification Sherloc (09022015). Collection method: clinical testing. Allele origin: germline.
Comment: This sequence change replaces cysteine, which is neutral and slightly polar, with tyrosine, which is neutral and polar, at codon 2192 of the FBN1 protein (p.Cys2192Tyr). This variant is not present in population databases (gnomAD no frequency). This missense change has been observed in individual(s) with clinical features of Marfan syndrome (PMID: 25652356). ClinVar contains an entry for this variant (Variation ID: 937068). Invitae Evidence Modeling of protein sequence and biophysical properties (such as structural, functional, and spatial information, amino acid conservation, physicochemical variation, residue mobility, and thermodynamic stability) indicates that this missense variant is expected to disrupt FBN1 protein function with a positive predictive value of 95%. This variant affects a cysteine residue in the EGF-like, TGFBP or hybrid motif domains of FBN1. Cysteine residues are believed to be involved in intramolecular disulfide bridges and have been shown to be important for FBN1 protein structure (PMID: 16905551, 19349279). In addition, missense substitutions affecting cysteine residues within these domains are significantly overrepresented among patients with Marfan syndrome (PMID: 16571647, 17701892). This variant disrupts the p.Cys2192 amino acid residue in FBN1. Other variant(s) that disrupt this residue have been observed in individuals with FBN1-related conditions (internal data), which suggests that this may be a clinically significant amino acid residue. In summary, the currently available evidence indicates that the variant is pathogenic, but additional data are needed to prove that conclusively. Therefore, this variant has been classified as Likely Pathogenic.

Literature cited by the submitters: PubMed 25652356 (cited by Labcorp Genetics (formerly Invitae), Labcorp); PubMed 16905551 (cited by Labcorp Genetics (formerly Invitae), Labcorp); PubMed 19349279 (cited by Labcorp Genetics (formerly Invitae), Labcorp); PubMed 16571647 (cited by Labcorp Genetics (formerly Invitae), Labcorp); PubMed 17701892 (cited by Labcorp Genetics (formerly Invitae), Labcorp).

NM_000138.5(FBN1):c.6575G>A (p.Cys2192Tyr)

Gene: FBN1 (fibrillin 1; minus strand). Cytogenetic location: 15q21.1.
Variant type: single nucleotide variant.
Coding change: c.6575G>A on transcript NM_000138.5 (MANE Select); coding-DNA position 6575, G replaced by A.
Protein change: p.Cys2192Tyr; replaces cysteine 2192 with tyrosine.
Molecular consequence: missense variant.
Genome position (GRCh38, 1-based): chr15:48,434,635, C>T on the plus strand (G>A on the coding strand, the complement: FBN1 is on the minus strand). VCF-style: chr15-48434635-C-T. GRCh37 (hg19) VCF-style: chr15-48726832-C-T.
Other names: short protein forms C2192Y.
Identifiers: ClinVar variation 937068 (VCV000937068.10), dbSNP rs2043050838, ClinGen allele CA392334857.
Genomic context (GRCh38, chr15:48,434,635, plus strand): 5'-CTCTGTTTAAGAGATGTACCTTCACATGTCATCATTGGACCGGGCTCAAATCCCTCCTCG[C>T]AGGTGCATTCAAAACCTCCAATCACATTCTTGCAGGTTCCATTTCCACAAGGATTGCCAA-3'
Protein context (NP_000129.3, residues 2182-2202): KNVIGGFECT[Cys2192Tyr]EEGFEPGPMM